The following is an entry in ClinVar:

NM_000321.3(RB1):c.846del (p.Glu282fs)

Gene: RB1 (RB transcriptional corepressor 1; plus strand). Cytogenetic location: 13q14.2.
Variant type: Deletion.
Coding change: c.846del on transcript NM_000321.3 (MANE Select); coding-DNA position 846, one base deleted (A; older notation c.846delA).
Protein change: p.Glu282fs; shifts the reading frame from glutamic acid 282.
Molecular consequence: frameshift variant.
Genome position (GRCh38, 1-based): chr13:48,362,942, A deleted; the last of 2 consecutive A bases (chr13:48,362,941-48,362,942); deleting either gives the same sequence. VCF-style (leftmost placement, unchanged base first): chr13-48362940-GA-G. GRCh37 (hg19) VCF-style: chr13-48937076-GA-G.
Other names: c.846delA (NM_000321.2); short protein forms E282fs.
Identifiers: ClinVar variation 428667 (VCV000428667.4), dbSNP rs1131690849, ClinGen allele CA645369538.

ClinVar aggregate classification (germline): Pathogenic. Review status: criteria provided, multiple submitters, no conflicts (2 of 4 stars). 2 submissions from 2 submitters: Pathogenic (2). Last evaluated 2024-05-20.

Conditions:
Retinoblastoma (RB1). Also called: RETINOBLASTOMA, SOMATIC. Identifiers: Orphanet 790, MedGen C0035335, MeSH D012175, MONDO:0008380, OMIM 180200, HP:0009919. Disease mechanism: loss of function. Inheritance: Both sporadic and heritable forms are tested..
Hereditary cancer-predisposing syndrome. Also called: Hereditary Cancer Syndrome; Neoplastic Syndromes, Hereditary; Hereditary neoplastic syndrome; Tumor predisposition. Identifiers: Orphanet 140162, MedGen C0027672, MeSH D009386, MONDO:0015356.

Submissions (2):

Genetic Diagnostic Laboratory, University of Pennsylvania School of Medicine
Classification: Pathogenic for Retinoblastoma. Last evaluated: 2024-05-20. Review status: criteria provided, single submitter. Criteria: ACMG Guidelines, 2015. Collection method: clinical testing. Allele origin: germline. Affected: yes. Observed: 1 variant allele.
Comment: Case and Pedigree Information: BILATERAL CASES:1, UNILATERAL CASES:0, TOTAL CASES:1, PEDIGREES:1. ACMG Codes Applied:PVS1, PM2

Ambry Genetics
Classification: Pathogenic for Hereditary cancer-predisposing syndrome. Last evaluated: 2012-07-23. Review status: criteria provided, single submitter. Criteria: Ambry Autosomal Dominant and X-Linked criteria (10/2015). Collection method: clinical testing. Allele origin: germline. Observed: 1 variant allele.
Comment: This alteration is expected to result in loss of function by premature protein truncation or nonsense-mediatedâ€¯mRNAâ€¯decay.â€¯As such, this alteration is interpreted as a disease-causing mutation.